The following is an entry in ClinVar:

NM_016151.4(TAOK2):c.1567C>T (p.Arg523Trp)

Gene: TAOK2 (TAO kinase 2; plus strand). Cytogenetic location: 16p11.2.
Variant type: single nucleotide variant.
Coding change: c.1567C>T on transcript NM_016151.4 (MANE Select); coding-DNA position 1567, C replaced by T.
Protein change: p.Arg523Trp; replaces arginine 523 with tryptophan.
Molecular consequence: missense variant.
Genome position (GRCh38, 1-based): chr16:29,985,357, C>T. VCF-style: chr16-29985357-C-T. GRCh37 (hg19) VCF-style: chr16-29996678-C-T.
Other names: c.1567C>T, p.Arg523Trp (NM_001252043.2, NM_004783.4); short protein forms R523W.
Identifiers: ClinVar variation 2174810 (VCV002174810.4), dbSNP rs769811063, ClinGen allele CA7998168.

ClinVar aggregate classification (germline): Uncertain significance (1 of 4 stars; one submission).

Allele frequency attached by ClinVar (database versions not stated): ExAC 0.00001; gnomAD 0.00001; gnomAD exomes 0.00001.
gnomAD v4.1: 11 of 1,611,072 alleles (0.00068%); highest among the groups gnomAD compares: Middle Eastern, 0.017%; no homozygotes.

Submission:

Labcorp Genetics (formerly Invitae), Labcorp
Classification: Uncertain significance. Last evaluated: 2024-01-15. Review status: criteria provided, single submitter. Criteria: Invitae Variant Classification Sherloc (09022015). Collection method: clinical testing. Allele origin: germline.
Comment: This sequence change replaces arginine, which is basic and polar, with tryptophan, which is neutral and slightly polar, at codon 523 of the TAOK2 protein (p.Arg523Trp). The frequency data for this variant in the population databases is considered unreliable, as metrics indicate poor data quality at this position in the gnomAD database. This variant has not been reported in the literature in individuals affected with TAOK2-related conditions. ClinVar contains an entry for this variant (Variation ID: 2174810). An algorithm developed to predict the effect of missense changes on protein structure and function (PolyPhen-2) suggests that this variant is likely to be disruptive. In summary, the available evidence is currently insufficient to determine the role of this variant in disease. Therefore, it has been classified as a Variant of Uncertain Significance.